The following is an entry in ClinVar:

NM_153704.6(TMEM67):c.312+4C>T

Gene: TMEM67 (transmembrane protein 67; plus strand). Cytogenetic location: 8q22.1.
Variant type: single nucleotide variant.
Coding change: c.312+4C>T on transcript NM_153704.6 (MANE Select); 4 bases into the intron after coding-DNA position 312, C replaced by T.
Molecular consequence: intron variant.
Genome position (GRCh38, 1-based): chr8:93,755,870, C>T. VCF-style: chr8-93755870-C-T. GRCh37 (hg19) VCF-style: chr8-94768098-C-T.
Other names: c.-62+733C>T (NM_001142301.1).
Identifiers: ClinVar variation 3356978 (VCV003356978.1).

ClinVar aggregate classification (germline): Uncertain significance (0 of 4 stars; one submission).

Conditions:
TMEM67-related disorder. Also called: TMEM67-related condition; TMEM67-related disorders. Identifiers: MedGen CN239423.

gnomAD v4.1: 12 of 1,525,650 alleles (0.00079%); highest among the groups gnomAD compares: African/African-American, 0.0084%; no homozygotes.

Submission:

PreventionGenetics, part of Exact Sciences
Classification: Uncertain significance for TMEM67-related condition. Last evaluated: 2024-09-04. Review status: no assertion criteria provided. Collection method: clinical testing. Allele origin: germline.
Comment: The TMEM67 c.312+4C>T variant is predicted to interfere with splicing. To our knowledge, this variant has not been reported in the literature. This variant is reported in 0.016% of alleles in individuals of African descent in gnomAD. At this time, the clinical significance of this variant is uncertain due to the absence of conclusive functional and genetic evidence.